The following is an entry in ClinVar:

ClinVar aggregate classification (germline): Uncertain significance. Review status: criteria provided, multiple submitters, no conflicts (2 of 4 stars). 2 submissions from 2 submitters: Uncertain significance (2). Last evaluated 2023-08-11.

Allele frequency attached by ClinVar (database versions not stated): ExAC 0.00002; gnomAD 0.00006; TOPMed 0.00006; ESP Exome Variant Server 0.00008.
gnomAD v4.1: 285 of 1,613,678 alleles (0.018%); highest among the groups gnomAD compares: Non-Finnish European, 0.024%; no homozygotes.

Submissions (2):

Women's Health and Genetics/Laboratory Corporation of America, LabCorp
Classification: Uncertain significance. Last evaluated: 2023-08-11. Review status: criteria provided, single submitter. Criteria: LabCorp Variant Classification Summary - May 2015. Collection method: clinical testing. Allele origin: germline.
Comment: Variant summary: FAT2 c.10027G>T (p.Val3343Leu) results in a conservative amino acid change located in the Cadherin-like (IPR002126) of the encoded protein sequence. Four of five in-silico tools predict a benign effect of the variant on protein function. The variant allele was found at a frequency of 1.2e-05 in 250120 control chromosomes (gnomAD). The available data on variant occurrences in the general population are insufficient to allow any conclusion about variant significance. To our knowledge, no occurrence of c.10027G>T in individuals affected with Spinocerebellar Ataxia 45 and no experimental evidence demonstrating its impact on protein function have been reported. One submitter has cited a clinical-significance assessment for this variant to ClinVar after 2014 and has classified the variant as uncertain significance. Based on the evidence outlined above, the variant was classified as uncertain significance.

Ambry Genetics
Classification: Uncertain significance. Last evaluated: 2023-02-06. Review status: criteria provided, single submitter. Criteria: Ambry Variant Classification Scheme 2023. Collection method: clinical testing. Allele origin: germline.

NM_001447.3(FAT2):c.10027G>T (p.Val3343Leu)

Genes: FAT2 (FAT atypical cadherin 2; minus strand), SLC36A1 (solute carrier family 36 member 1; plus strand). Cytogenetic location: 5q33.1.
Variant type: single nucleotide variant.
Coding change: c.10027G>T on transcript NM_001447.3 (MANE Select); coding-DNA position 10027, G replaced by T.
Protein change: p.Val3343Leu; replaces valine 3343 with leucine.
Molecular consequence: missense variant.
Genome position (GRCh38, 1-based): chr5:151,528,133, C>A on the plus strand (G>T on the coding strand, the complement: FAT2 is on the minus strand). VCF-style: chr5-151528133-C-A. GRCh37 (hg19) VCF-style: chr5-150907694-C-A.
Other names: short protein forms V3343L.
Identifiers: ClinVar variation 2460172 (VCV002460172.3), dbSNP rs200279292, ClinGen allele CA3520384.